The following is an entry in ClinVar:

NM_004260.4(RECQL4):c.3467C>G (p.Ser1156Cys)

Gene: RECQL4 (RecQ like helicase 4; minus strand). Cytogenetic location: 8q24.3.
Variant type: single nucleotide variant.
Coding change: c.3467C>G on transcript NM_004260.4 (MANE Select); coding-DNA position 3467, C replaced by G.
Protein change: p.Ser1156Cys; replaces serine 1156 with cysteine.
Molecular consequence: missense variant.
Genome position (GRCh38, 1-based): chr8:144,511,716, G>C on the plus strand (C>G on the coding strand, the complement: RECQL4 is on the minus strand). VCF-style: chr8-144511716-G-C. GRCh37 (hg19) VCF-style: chr8-145737099-G-C.
Other names: short protein forms S1156C.
Identifiers: ClinVar variation 960076 (VCV000960076.5), dbSNP rs373652049, ClinGen allele CA372666787.

ClinVar aggregate classification (germline): Uncertain significance (1 of 4 stars; one submission).

Conditions:
Baller-Gerold syndrome (BGS). Also called: CRANIOSYNOSTOSIS WITH RADIAL DEFECTS. Identifiers: Orphanet 1225, MedGen C0265308, MONDO:0009039, OMIM 218600.

Submission:

Labcorp Genetics (formerly Invitae), Labcorp
Classification: Uncertain significance for Baller-Gerold syndrome. Last evaluated: 2019-07-01. Review status: criteria provided, single submitter. Criteria: Invitae Variant Classification Sherloc (09022015). Collection method: clinical testing. Allele origin: germline.
Comment: This variant has not been reported in the literature in individuals with RECQL4-related conditions. This variant is not present in population databases (ExAC no frequency). This sequence change replaces serine with cysteine at codon 1156 of the RECQL4 protein (p.Ser1156Cys). The serine residue is highly conserved and there is a moderate physicochemical difference between serine and cysteine. In summary, the available evidence is currently insufficient to determine the role of this variant in disease. Therefore, it has been classified as a Variant of Uncertain Significance. Algorithms developed to predict the effect of missense changes on protein structure and function (SIFT, PolyPhen-2, Align-GVGD) all suggest that this variant is likely to be disruptive, but these predictions have not been confirmed by published functional studies and their clinical significance is uncertain.